The following is an entry in ClinVar:

NM_000268.4(NF2):c.1313T>A (p.Leu438Gln)

Gene: NF2 (NF2, moesin-ezrin-radixin like (MERLIN) tumor suppressor; plus strand). Cytogenetic location: 22q12.2.
Variant type: single nucleotide variant.
Coding change: c.1313T>A on transcript NM_000268.4 (MANE Select); coding-DNA position 1313, T replaced by A.
Protein change: p.Leu438Gln; replaces leucine 438 with glutamine.
Molecular consequence: missense variant. On other transcripts: intron variant (1).
Genome position (GRCh38, 1-based): chr22:29,673,459, T>A. VCF-style: chr22-29673459-T-A. GRCh37 (hg19) VCF-style: chr22-30069448-T-A.
Other names: c.1199T>A, p.Leu400Gln (NM_001407053.1, NM_001407056.1); c.1190T>A, p.Leu397Gln (NM_001407054.1, NM_001407058.1, NM_181829.3); c.1187T>A, p.Leu396Gln (NM_001407055.1, NM_181828.3); c.1178T>A, p.Leu393Gln (NM_001407057.1, NM_001407059.1); c.1313T>A, p.Leu438Gln (NM_001407060.1, NM_001407066.1, NM_016418.5 and 2 more transcripts); c.1055T>A, p.Leu352Gln (NM_001407062.1); c.1064T>A, p.Leu355Gln (NM_001407063.1, NM_001407064.1, NM_181830.3 and 1 more transcripts); c.779T>A, p.Leu260Gln (NM_001407065.1); and 2 more; short protein forms L260Q, L352Q, L355Q, L361Q, L393Q, L396Q, L397Q, L400Q.
Identifiers: ClinVar variation 4861026 (VCV004861026.1).

ClinVar aggregate classification (germline): Uncertain significance (1 of 4 stars; one submission).

Conditions:
Hereditary cancer-predisposing syndrome. Also called: Neoplastic Syndromes, Hereditary; Tumor predisposition; Hereditary Cancer Syndrome; Hereditary neoplastic syndrome. Identifiers: Orphanet 140162, MedGen C0027672, MeSH D009386, MONDO:0015356.

Submission:

Ambry Genetics
Classification: Uncertain significance for Hereditary cancer-predisposing syndrome. Last evaluated: 2026-05-21. Review status: criteria provided, single submitter. Criteria: Ambry Variant Classification Scheme 2023. Collection method: clinical testing. Allele origin: germline.
Comment: The p.L438Q variant (also known as c.1313T>A), located in coding exon 12 of the NF2 gene, results from a T to A substitution at nucleotide position 1313. The leucine at codon 438 is replaced by glutamine, an amino acid with dissimilar properties. This amino acid position is conserved. In addition, the in silico prediction for this alteration is inconclusive. Based on the available evidence, the clinical significance of this variant remains unclear.